The following is an entry in ClinVar:

ClinVar aggregate classification (germline): Uncertain significance. Review status: criteria provided, multiple submitters, no conflicts (2 of 4 stars). 2 submissions from 2 submitters: Uncertain significance (2). Last evaluated 2025-01-11.

Conditions:
Wilms tumor 1 (WT1). Also called: Wilms tumor, somatic. Identifiers: Orphanet 654, MedGen CN033288, MONDO:0008679, OMIM 194070.
11p partial monosomy syndrome (WAGR). Also called: CHROMOSOME 11p13 DELETION SYNDROME; WAGR Spectrum Disorder; WAGR syndrome; WAGR Complex. Identifiers: Orphanet 893, MedGen C0206115, MONDO:0008681, OMIM 194072.
Frasier syndrome. Identifiers: Orphanet 347, MedGen C0950122, MeSH D052159, MONDO:0007635, OMIM 136680.
Drash syndrome (DDS). Also called: NEPHROPATHY, WILMS TUMOR, AND GENITAL ANOMALIES; WILMS TUMOR AND PSEUDO- OR TRUE HERMAPHRODITISM. Identifiers: Orphanet 220, MedGen C0950121, MONDO:0008682, OMIM 194080.

Submissions (2):

Labcorp Genetics (formerly Invitae), Labcorp
Classification: Uncertain significance for Wilms tumor 1; Drash syndrome; 11p partial monosomy syndrome; Frasier syndrome. Last evaluated: 2025-01-11. Review status: criteria provided, single submitter. Criteria: Invitae Variant Classification Sherloc (09022015). Collection method: clinical testing. Allele origin: germline.
Comment: This sequence change replaces phenylalanine, which is neutral and non-polar, with serine, which is neutral and polar, at codon 222 of the WT1 protein (p.Phe222Ser). This variant is not present in population databases (gnomAD no frequency). This missense change has been observed in individual(s) with WT1-associated disease (PMID: 24402088). This variant is also known as F154S. ClinVar contains an entry for this variant (Variation ID: 543117). Invitae Evidence Modeling of protein sequence and biophysical properties (such as structural, functional, and spatial information, amino acid conservation, physicochemical variation, residue mobility, and thermodynamic stability) indicates that this missense variant is not expected to disrupt WT1 protein function with a negative predictive value of 95%. Experimental studies have shown that this missense change affects WT1 function (PMID: 22465478). In summary, the available evidence is currently insufficient to determine the role of this variant in disease. Therefore, it has been classified as a Variant of Uncertain Significance.

All of Us Research Program, National Institutes of Health
Classification: Uncertain significance for Wilms tumor 1. Last evaluated: 2023-07-19. Review status: criteria provided, single submitter. Criteria: ACMG Guidelines, 2015. Collection method: clinical testing. Allele origin: germline. Inheritance: Autosomal dominant inheritance. Observed: 1 variant allele, 1 heterozygote.
Comment: This missense variant replaces phenylalanine with serine at codon 222 of the WT1 protein. Computational prediction suggests that this variant may have deleterious impact on protein structure and function (internally defined REVEL score threshold >= 0.7, PMID: 27666373). Functional studies have reported that this variant impacts WT1 function in growth suppression assays on ex vivo cell lines (PMID: 10224085) and also its function in transcription activation and suppression in some but not all gene promoters tested (PMID: 10224085, 12855602, 12882970, 22465478, 24402088). To our knowledge, this variant has not been reported as a germline mutation in individuals affected with Wilms tumor in the literature. This variant has been detected in an individual affected with steroid-resistant nephrotic syndrome (PMID: 24402088). This variant has not been identified in the general population by the Genome Aggregation Database (gnomAD). The available evidence is insufficient to determine the role of this variant in disease conclusively. Therefore, this variant is classified as a Variant of Uncertain Significance.

This study involves interpretation of variants in research participants for the purpose of population health screening. Participant phenotype was not available at the time of variant classification. Additional details can be found in publication PMID: 35346344, PMCID: PMC8962531

Literature cited by the submitters: PubMed 24402088 (cited by Labcorp Genetics (formerly Invitae), Labcorp and All of Us Research Program, National Institutes of Health); PubMed 22465478 (cited by Labcorp Genetics (formerly Invitae), Labcorp and All of Us Research Program, National Institutes of Health); PubMed 10224085 (cited by All of Us Research Program, National Institutes of Health); PubMed 12855602 (cited by All of Us Research Program, National Institutes of Health); PubMed 12882970 (cited by All of Us Research Program, National Institutes of Health).

NM_024426.6(WT1):c.680T>C (p.Phe227Ser)

Gene: WT1 (WT1 transcription factor; minus strand). Cytogenetic location: 11p13.
Variant type: single nucleotide variant.
Coding change: c.680T>C on transcript NM_024426.6 (MANE Select); coding-DNA position 680, T replaced by C.
Protein change: p.Phe227Ser; replaces phenylalanine 227 with serine.
Molecular consequence: missense variant. On other transcripts: non-coding transcript variant (1).
Genome position (GRCh38, 1-based): chr11:32,428,601, A>G on the plus strand (T>C on the coding strand, the complement: WT1 is on the minus strand). VCF-style: chr11-32428601-A-G. GRCh37 (hg19) VCF-style: chr11-32450147-A-G.
Other names: c.680T>C, p.Phe227Ser (NM_000378.6, NM_001407044.1, NM_001407045.1 and 4 more transcripts); c.29T>C, p.Phe10Ser (NM_001198551.2, NM_001198552.2); c.-83T>C (NM_001407051.1); c.665T>C, p.Phe222Ser (NM_024425.2); short protein forms F227S, F10S.
Identifiers: ClinVar variation 543117 (VCV000543117.10), dbSNP rs1554945235, ClinGen allele CA379963567.